The following is an entry in ClinVar:

QOgranite falls allele

Gene: SERPINA1 (serpin family A member 1; minus strand). Cytogenetic location: 14q32.13.
Variant type: Variation.
Identifiers: ClinVar variation 217816 (VCV000217816.1).

ClinVar aggregate classification (germline): Pathogenic (0 of 4 stars; one submission).

Conditions:
Alpha-1-antitrypsin deficiency (A1ATD). Also called: AAT deficiency; A1AT deficiency; Alpha1-Antitrypsin Deficiency. Identifiers: Orphanet 60, MedGen C0221757, MONDO:0013282, OMIM 613490.

Submission:

GeneReviews
Classification: Pathogenic for Alpha-1-antitrypsin deficiency. Last evaluated: 2014-05-01. Review status: no assertion criteria provided. Collection method: literature only. Allele origin: germline. Affected: yes.
Comment: Disease association: lung

Literature cited by the submitters: PubMed 14985567.